The following is an entry in ClinVar:

ClinVar aggregate classification (germline): Likely pathogenic. Review status: criteria provided, multiple submitters, no conflicts (2 of 4 stars). 2 submissions from 2 submitters: Likely pathogenic (2). Last evaluated 2021-02-19.

Conditions:
Hereditary cancer-predisposing syndrome. Also called: Hereditary neoplastic syndrome; Tumor predisposition; Neoplastic Syndromes, Hereditary; Hereditary Cancer Syndrome. Identifiers: Orphanet 140162, MedGen C0027672, MeSH D009386, MONDO:0015356.

Submissions (2):

Ambry Genetics
Classification: Likely pathogenic for Hereditary cancer-predisposing syndrome. Last evaluated: 2021-02-19. Review status: criteria provided, single submitter. Criteria: Ambry Variant Classification Scheme 2023. Collection method: clinical testing. Allele origin: germline.
Comment: The p.S308P variant (also known as c.922T>C), located in coding exon 6 of the MEN1 gene, results from a T to C substitution at nucleotide position 922. The serine at codon 308 is replaced by proline, an amino acid with similar properties. This alteration has been detected in multiple individuals with a clinical diagnosis and family histories consistent with Multiple Endocrine Neoplasia Type 1 (MEN1) (Ambry internal data). Based on internal structural analysis, this variant results in a decrease in structural stability (Huang J et al. Nature, 2012 Feb;482:542-6). This variant was not reported in population-based cohorts in the Genome Aggregation Database (gnomAD). This amino acid position is well conserved in available vertebrate species. In addition, this alteration is predicted to be deleterious by in silico analysis. Based on the majority of available evidence to date, this variant is likely to be pathogenic.

GeneDx
Classification: Likely pathogenic. Last evaluated: 2016-06-30. Review status: criteria provided, single submitter. Criteria: GeneDx Variant Classification (06012015). Collection method: clinical testing. Allele origin: germline. Affected: yes.
Comment: The S308P variant in the MEN1 gene has not been published as a pathogenic variant, nor has it been reported as a benign variant to our knowledge. This variant was not observed in approximately 6,500 individuals of European and African American ancestry in the NHLBI Exome Sequencing Project, indicating it is not a common benign variant in these populations. The S308P variant is a non-conservative amino acid substitution, which is likely to impact secondary protein structure as these residues differ in polarity, charge, size and/or other properties. This substitution occurs at a position that is conserved across species, and within the region of interaction with FANCD2 (Uniprot). In silico analysis predicts this variant is probably damaging to the protein structure/function. Missense variants in nearby residues (G305R, G305D, A309P, T311P) have been reported in the Human Gene Mutation Database in association with MEN1-related disorders (Stenson et al., 2014), supporting the functional importance of this region of the protein. Based on the currently available evidence, the S308P variant is a strong candidate for a pathogenic variant. However, the possibility it may be a rare benign variant cannot be excluded.

Literature cited by the submitters: PubMed 22327296 (cited by Ambry Genetics).

NM_001370259.2(MEN1):c.922T>C (p.Ser308Pro)

Gene: MEN1 (menin 1; minus strand). Cytogenetic location: 11q13.1.
Variant type: single nucleotide variant.
Coding change: c.922T>C on transcript NM_001370259.2 (MANE Select); coding-DNA position 922, T replaced by C.
Protein change: p.Ser308Pro; replaces serine 308 with proline.
Molecular consequence: missense variant.
Genome position (GRCh38, 1-based): chr11:64,806,359, A>G on the plus strand (T>C on the coding strand, the complement: MEN1 is on the minus strand). VCF-style: chr11-64806359-A-G. GRCh37 (hg19) VCF-style: chr11-64573831-A-G.
Other names: c.937T>C, p.Ser313Pro (NM_000244.4, NM_130800.3, NM_130801.3 and 3 more transcripts); c.922T>C, p.Ser308Pro (NM_001370251.2, NM_001370260.2, NM_001370261.2 and 1 more transcripts); c.817T>C, p.Ser273Pro (NM_001370262.2, NM_001370263.2); short protein forms S308P, S313P, S273P.
Identifiers: ClinVar variation 418293 (VCV000418293.7), dbSNP rs1064793169, ClinGen allele CA16619359.